The following is an entry in ClinVar:

NM_031220.4(PITPNM3):c.*2088A>G

Gene: PITPNM3 (PITPNM family member 3; minus strand). Cytogenetic location: 17p13.2.
Variant type: single nucleotide variant.
Coding change: c.*2088A>G on transcript NM_031220.4 (MANE Select); 2088 bases downstream of the stop codon, A replaced by G.
Molecular consequence: 3 prime UTR variant.
Genome position (GRCh38, 1-based): chr17:6,453,250, T>C on the plus strand (A>G on the coding strand, the complement: PITPNM3 is on the minus strand). VCF-style: chr17-6453250-T-C. GRCh37 (hg19) VCF-style: chr17-6356570-T-C.
Other names: c.*2088A>G (NM_001165966.2).
Identifiers: ClinVar variation 324713 (VCV000324713.6), dbSNP rs4796329, ClinGen allele CA10640294.

ClinVar aggregate classification (germline): Benign. Review status: criteria provided, multiple submitters, no conflicts (2 of 4 stars). 2 submissions from 2 submitters: Benign (2). Last evaluated 2018-01-12.

Conditions:
Cone-rod dystrophy 5 (CORD5). Identifiers: Orphanet 1872, MedGen C1832976, MONDO:0010969, OMIM 600977.

Allele frequency attached by ClinVar (database versions not stated): 1000 Genomes Project 0.35903; 1000 Genomes Project 30x 0.35962; gnomAD exomes 0.41667; gnomAD 0.43625 and 0.43732; TOPMed 0.43894.
gnomAD v4.1: 66,383 of 151,934 alleles (44%); highest among the groups gnomAD compares: Middle Eastern, 67%; 15,820 homozygotes.

Submissions (2):

Illumina Laboratory Services, Illumina
Classification: Benign for Cone-rod dystrophy 5. Last evaluated: 2018-01-12. Review status: criteria provided, single submitter. Criteria: ICSL Variant Classification Criteria 13 December 2019. Collection method: clinical testing. Allele origin: germline.
Comment: This variant was observed in the ICSL laboratory as part of a predisposition screen in an ostensibly healthy population. It had not been previously curated by ICSL or reported in the Human Gene Mutation Database (HGMD: prior to June 1st, 2018), and was therefore a candidate for classification through an automated scoring system. Utilizing variant allele frequency, disease prevalence and penetrance estimates, and inheritance mode, an automated score was calculated to assess if this variant is too frequent to cause the disease. Based on the score and internal cut-off values, a variant classified as benign is not then subjected to further curation. The score for this variant resulted in a classification of benign for this disease.

Breakthrough Genomics
Classification: Benign. Review status: criteria provided, single submitter. Criteria: ACMG Guidelines, 2015. Collection method: not provided. Allele origin: germline. Inheritance: Autosomal dominant inheritance. Affected: yes.